The following is an entry in ClinVar:

ClinVar aggregate classification (germline): Benign/Likely benign. Review status: criteria provided, multiple submitters, no conflicts (2 of 4 stars). 4 submissions from 4 submitters: Benign (2); Likely benign (2). Last evaluated 2025-07-16.

Conditions:
Telangiectasia, hereditary hemorrhagic, type 2 (HHT2). Also called: ACVRL1-Related Hereditary Hemorrhagic Telangiectasia; Telangiectasia, hereditary hemorrhagic, type II. Identifiers: Orphanet 774, MedGen C1838163, MONDO:0010880, OMIM 600376. Disease mechanism: loss of function.

Submissions (4):

ARUP Laboratories, Molecular Genetics and Genomics, ARUP Laboratories
Classification: Benign for Telangiectasia, hereditary hemorrhagic, type 2. Last evaluated: 2025-07-16. Review status: criteria provided, single submitter. Criteria: ARUP Molecular Germline Variant Investigation Process 2024. Collection method: clinical testing. Allele origin: germline.

Blueprint Genetics
Classification: Likely benign. Last evaluated: 2024-11-27. Review status: criteria provided, single submitter. Criteria: ACMG Guidelines, 2015. Collection method: clinical testing. Allele origin: germline.

Genome-Nilou Lab
Classification: Benign for Telangiectasia, hereditary hemorrhagic, type 2. Last evaluated: 2021-12-05. Review status: criteria provided, single submitter. Criteria: ACMG Guidelines, 2015. Collection method: clinical testing. Allele origin: germline. Affected: no.

GeneDx
Classification: Likely benign. Last evaluated: 2020-09-23. Review status: criteria provided, single submitter. Criteria: GeneDx Variant Classification Process June 2021. Collection method: clinical testing. Allele origin: germline. Affected: yes.
Comment: See Variant Classification Assertion Criteria.

NM_000020.3(ACVRL1):c.1378-248del

Gene: ACVRL1 (activin A receptor like type 1; plus strand). Cytogenetic location: 12q13.13.
Variant type: Deletion.
Coding change: c.1378-248del on transcript NM_000020.3 (MANE Select); 248 bases into the intron before coding-DNA position 1378, one base deleted (T; older notation c.1378-248delT).
Molecular consequence: intron variant.
Genome position (GRCh38, 1-based): chr12:51,920,511, T deleted; the last of 6 consecutive T bases (chr12:51,920,506-51,920,511); deleting any one gives the same sequence. VCF-style (leftmost placement, unchanged base first): chr12-51920505-AT-A. GRCh37 (hg19) VCF-style: chr12-52314289-AT-A.
Other names: c.1378-248del (NM_001077401.2).
Identifiers: ClinVar variation 810920 (VCV000810920.17), dbSNP rs202089535, ClinGen allele CA236367535.